The following is an entry in ClinVar:

NM_001040108.2(MLH3):c.3950G>A (p.Arg1317Gln)

Gene: MLH3 (mutL homolog 3; minus strand). Cytogenetic location: 14q24.3.
Variant type: single nucleotide variant.
Coding change: c.3950G>A on transcript NM_001040108.2 (MANE Select); coding-DNA position 3950, G replaced by A.
Protein change: p.Arg1317Gln; replaces arginine 1317 with glutamine.
Molecular consequence: missense variant.
Genome position (GRCh38, 1-based): chr14:75,030,580, C>T on the plus strand (G>A on the coding strand, the complement: MLH3 is on the minus strand). VCF-style: chr14-75030580-C-T. GRCh37 (hg19) VCF-style: chr14-75497283-C-T.
Other names: c.3878G>A, p.Arg1293Gln (NM_014381.3); short protein forms R1317Q, R1293Q.
Identifiers: ClinVar variation 544285 (VCV000544285.13), dbSNP rs1434472127, ClinGen allele CA390422568.

ClinVar aggregate classification (germline): Uncertain significance. Review status: criteria provided, multiple submitters, no conflicts (2 of 4 stars). 3 submissions from 3 submitters: Uncertain significance (3). Last evaluated 2025-03-04.

Conditions:
Colorectal cancer, hereditary nonpolyposis, type 7. Identifiers: Orphanet 144, MedGen C1858380, MONDO:0013725, OMIM 614385.

Allele frequency attached by ClinVar (database versions not stated): gnomAD exomes below 0.00001 and 0.00001; gnomAD 0.00001; TOPMed 0.00001.

Submissions (3):

Center for Genomic Medicine, Rigshospitalet, Copenhagen University Hospital
Classification: Uncertain significance. Last evaluated: 2025-03-04. Review status: criteria provided, single submitter. Criteria: ACMG Guidelines, 2015. Collection method: clinical testing. Allele origin: germline.

Ambry Genetics
Classification: Uncertain significance. Last evaluated: 2024-01-07. Review status: criteria provided, single submitter. Criteria: Ambry Variant Classification Scheme 2023. Collection method: clinical testing. Allele origin: germline.
Comment: The p.R1317Q variant (also known as c.3950G>A), located in coding exon 8 of the MLH3 gene, results from a G to A substitution at nucleotide position 3950. The arginine at codon 1317 is replaced by glutamine, an amino acid with highly similar properties. This amino acid position is well conserved in available vertebrate species. In addition, the in silico prediction for this alteration is inconclusive. Since supporting evidence is limited at this time, the clinical significance of this alteration remains unclear.

Labcorp Genetics (formerly Invitae), Labcorp
Classification: Uncertain significance for Colorectal cancer, hereditary nonpolyposis, type 7. Last evaluated: 2022-01-28. Review status: criteria provided, single submitter. Criteria: Invitae Variant Classification Sherloc (09022015). Collection method: clinical testing. Allele origin: germline.
Comment: ClinVar contains an entry for this variant (Variation ID: 544285). This variant has not been reported in the literature in individuals affected with MLH3-related conditions. This variant is present in population databases (no rsID available, gnomAD no frequency). This sequence change replaces arginine, which is basic and polar, with glutamine, which is neutral and polar, at codon 1317 of the MLH3 protein (p.Arg1317Gln). Algorithms developed to predict the effect of missense changes on protein structure and function (SIFT, PolyPhen-2, Align-GVGD) all suggest that this variant is likely to be tolerated. In summary, the available evidence is currently insufficient to determine the role of this variant in disease. Therefore, it has been classified as a Variant of Uncertain Significance.